The following is an entry in ClinVar:

ClinVar aggregate classification (germline): Uncertain significance. Review status: criteria provided, multiple submitters, no conflicts (2 of 4 stars). 2 submissions from 2 submitters: Uncertain significance (2). Last evaluated 2026-02-05.

Conditions:
Noonan syndrome 6 (NS6). Also called: NRAS-Related Noonan Syndrome. Identifiers: Orphanet 648, MedGen C2750732, MONDO:0013186, OMIM 613224.

Allele frequency attached by ClinVar (database versions not stated): gnomAD exomes below 0.00001.
gnomAD v4.1: 1 of 1,613,448 alleles (0.000062%); highest among the groups gnomAD compares: Non-Finnish European, 0.000085%; no homozygotes.

Submissions (2):

GeneDx
Classification: Uncertain significance. Last evaluated: 2026-02-05. Review status: criteria provided, single submitter. Criteria: GeneDx Variant Classification Process June 2021. Collection method: clinical testing. Allele origin: germline. Affected: yes.
Comment: Missense variants in this gene are a common cause of disease and they are underrepresented in the general population; In silico analysis supports that this missense variant has a deleterious effect on protein structure/function; Has not been previously published as pathogenic or benign to our knowledge

Genetic Services Laboratory, University of Chicago
Classification: Uncertain significance. Last evaluated: 2015-06-30. Review status: criteria provided, single submitter. Criteria: ACMG Guidelines, 2015. Collection method: clinical testing. Allele origin: germline.

NM_002524.5(NRAS):c.317C>T (p.Ser106Leu)

Gene: NRAS (NRAS proto-oncogene, GTPase; minus strand). Cytogenetic location: 1p13.2.
Variant type: single nucleotide variant.
Coding change: c.317C>T on transcript NM_002524.5 (MANE Select); coding-DNA position 317, C replaced by T.
Protein change: p.Ser106Leu; replaces serine 106 with leucine.
Molecular consequence: missense variant.
Genome position (GRCh38, 1-based): chr1:114,709,702, G>A on the plus strand (C>T on the coding strand, the complement: NRAS is on the minus strand). VCF-style: chr1-114709702-G-A. GRCh37 (hg19) VCF-style: chr1-115252323-G-A.
Other names: c.317C>T (LRG_92t1); short protein forms S106L.
Identifiers: ClinVar variation 211686 (VCV000211686.10), dbSNP rs797045795, ClinGen allele CA207900.